The following is an entry in ClinVar:

ClinVar aggregate classification (germline): Pathogenic. Review status: reviewed by expert panel (3 of 4 stars). 21 submissions from 21 submitters: Pathogenic (1). 20 of the submissions do not count toward it. Last evaluated 2016-09-08.

Conditions:
Breast and/or ovarian cancer. Identifiers: MedGen CN221562.
Hereditary cancer-predisposing syndrome. Also called: Tumor predisposition; Neoplastic Syndromes, Hereditary; Hereditary neoplastic syndrome; Hereditary Cancer Syndrome. Identifiers: Orphanet 140162, MedGen C0027672, MeSH D009386, MONDO:0015356.
Hereditary breast ovarian cancer syndrome. Also called: Hereditary breast and ovarian cancer; Hereditary breast and ovarian cancer syndrome (HBOC); Hereditary breast and/or ovarian cancer syndrome; Breast and ovarian cancer; Hereditary breast and ovarian cancer syndrome; BRCA1- and BRCA2-Associated Hereditary Breast and Ovarian Cancer. Identifiers: Orphanet 145, MedGen C0677776, MeSH D061325, MONDO:0003582. Disease mechanism: loss of function.
Breast-ovarian cancer, familial, susceptibility to, 2 (BROVCA2). Also called: BRCA2 Hereditary Breast and Ovarian Cancer. Identifiers: Orphanet 145, MedGen C2675520, MONDO:0012933, OMIM 612555. Disease mechanism: loss of function.
Familial cancer of breast. Also called: Hereditary breast cancer; BREAST CANCER, FAMILIAL; hereditary breast carcinoma. Identifiers: Orphanet 227535, MedGen C0346153, MONDO:0016419, OMIM 114480. Disease mechanism: loss of function.

Submissions 1 to 8 of 21:

Evidence-based Network for the Interpretation of Germline Mutant Alleles (ENIGMA)
Classification: Pathogenic for Breast-ovarian cancer, familial, susceptibility to, 2. Last evaluated: 2016-09-08. Review status: reviewed by expert panel. Criteria: ENIGMA BRCA1/2 Classification Criteria (2015). Collection method: curation. Allele origin: germline.
Comment: Variant allele predicted to encode a truncated non-functional protein.

Labcorp Genetics (formerly Invitae), Labcorp
Classification: Pathogenic for Hereditary breast ovarian cancer syndrome. Last evaluated: 2025-12-14. Review status: criteria provided, single submitter. Criteria: Invitae Variant Classification Sherloc (09022015). Collection method: clinical testing. Allele origin: germline. Not counted in ClinVar's aggregate classification.
Comment: This sequence change creates a premature translational stop signal (p.Tyr3009Serfs*7) in the BRCA2 gene. It is expected to result in an absent or disrupted protein product. Loss-of-function variants in BRCA2 are known to be pathogenic (PMID: 20104584). This variant is present in population databases (rs80359741, gnomAD 0.003%). This premature translational stop signal has been observed in individual(s) with breast and/or ovarian cancer (PMID: 8589730, 12655574, 22632462, 23479189, 25586199, 26026974). It is commonly reported in individuals of Spanish ancestry (PMID: 8589730, 12655574, 22632462, 23479189, 25586199, 26026974). This variant is also known as 9254del5. ClinVar contains an entry for this variant (Variation ID: 38204). For these reasons, this variant has been classified as Pathogenic.

Ambry Genetics
Classification: Pathogenic for Hereditary cancer-predisposing syndrome. Last evaluated: 2025-07-03. Review status: criteria provided, single submitter. Criteria: Ambry Variant Classification Scheme 2023. Collection method: clinical testing. Allele origin: germline. Not counted in ClinVar's aggregate classification.
Comment: The c.9026_9030delATCAT pathogenic mutation, located in coding exon 22 of the BRCA2 gene, results from a deletion of 5 nucleotides at nucleotide positions 9026 to 9030, causing a translational frameshift with a predicted alternate stop codon (p.Y3009Sfs*7). This variant has been identified in multiple breast and/or ovarian cancer families (Tavtigian SV et al. Nat. Genet. 1996 Mar;12:333-7; Caputo S et al. Nucleic Acids Res. 2012 Jan;40:D992-1002; Blay P et al. BMC Cancer 2013 May;13:243; de Juan I et al. Fam. Cancer 2015 Dec;14:505-13; Gabald&oacute; Barrios X et al. Fam. Cancer 2017 Oct;16(4):477-489), and has been described as a founder mutation of Northeast Spanish origin (de Juan Jim&eacute;nez I et al. Fam. Cancer 2013 Dec;12:767-77). In addition to the clinical data presented in the literature, this alteration is expected to result in loss of function by premature protein truncation or nonsense-mediated mRNA decay. As such, this alteration is interpreted as a disease-causing mutation.

Quest Diagnostics Nichols Institute San Juan Capistrano
Classification: Pathogenic. Last evaluated: 2025-05-23. Review status: criteria provided, single submitter. Criteria: Quest Diagnostics criteria. Collection method: clinical testing. Allele origin: unknown. Not counted in ClinVar's aggregate classification.
Comment: The BRCA2 c.9026_9030del (p.Tyr3009Serfs*7) variant alters the translational reading frame of the BRCA2 mRNA and causes the premature termination of BRCA2 protein synthesis. This variant has been reported in the published literature in individuals affected with breast cancer and/or ovarian cancer (PMID: 38504328 (2024), 38922859 (2024), 29084914 (2018), 23479189 (2013)), including in cases of bilateral (PMIDs: 32854451 (2020), 28477318 (2017)) and male breast cancer (PMIDs: 38974244 (2024), 26026974 (2015)), and cervical cancer (PMID: 36451132 (2022)). In addition, this variant has been described as a founder variant in northeastern Spain (PMID: 22144684 (2012)). The frequency of this variant in the general population (Genome Aggregation Database) is consistent with pathogenicity. Based on the available information, this variant is classified as pathogenic.

Women's Health and Genetics/Laboratory Corporation of America, LabCorp
Classification: Pathogenic for Hereditary breast ovarian cancer syndrome. Last evaluated: 2025-05-02. Review status: criteria provided, single submitter. Criteria: LabCorp Variant Classification Summary - May 2015. Collection method: clinical testing. Allele origin: germline. Not counted in ClinVar's aggregate classification.
Comment: Variant summary: BRCA2 c.9026_9030delATCAT (p.Tyr3009SerfsX7) results in a premature termination codon, predicted to cause a truncation of the encoded protein or absence of the protein due to nonsense mediated decay, which are commonly known mechanisms for disease. The variant allele was found at a frequency of 4e-06 in 250686 control chromosomes. c.9026_9030delATCAT has been observed in multiple individuals affected with Hereditary Breast And Ovarian Cancer Syndrome (example: Campos_2003). These data indicate that the variant is very likely to be associated with disease. The following publications have been ascertained in the context of this evaluation (PMID: 17262179, 23683081, 12655574, 12955716, 12655567, 29084914, 9585613, 9150172). ClinVar contains an entry for this variant (Variation ID: 38204). Based on the evidence outlined above, the variant was classified as pathogenic.

Center for Genomic Medicine, Rigshospitalet, Copenhagen University Hospital
Classification: Pathogenic. Last evaluated: 2025-03-04. Review status: criteria provided, single submitter. Criteria: ACMG Guidelines, 2015. Collection method: clinical testing. Allele origin: germline. Not counted in ClinVar's aggregate classification.

Molecular Diagnostics Laboratory, Catalan Institute of Oncology
Classification: Pathogenic for Hereditary cancer-predisposing syndrome. Last evaluated: 2024-09-18. Review status: criteria provided, single submitter. Criteria: ClinGen BRCA1BRCA2 ACMG Specifications BRCA2 V1.0.0. Collection method: clinical testing. Allele origin: germline. Not counted in ClinVar's aggregate classification.
Comment: PVS1, PM5_PTC_Strong c.9026_9030del, located in exon 23 of the BRCA2 gene, consists in the deletion of 5 nucleotides causing a premature protein truncation and nonsense-mediated mRNA decay; p.(Tyr3009Serfs*7)(PVS1, PM5_PTC_Strong). This variant is found in 1/236200 in the gnomAD v2.1.1 database, exome non-cancer data set. This variant has been reported in the ClinVar database (17x pathogenic) and LOVD (17x pathogenic, 1x uncertain significance, 1x not classified) and classified as a pathogenic variant in BRCA Exchange database (“Variant allele predicted to encode a truncated non-functional protein”). Based on currently available information, the variant c.9026_9030del is classified as a pathogenic variant according to ClinGen-BRCA1 and BRCA2 Guidelines version 1.0.0.

ARUP Laboratories, Molecular Genetics and Genomics, ARUP Laboratories
Classification: Pathogenic. Last evaluated: 2024-02-22. Review status: criteria provided, single submitter. Criteria: ARUP Molecular Germline Variant Investigation Process 2024. Collection method: clinical testing. Allele origin: germline. Not counted in ClinVar's aggregate classification.
Comment: The BRCA2 c.9026_9030del; p.Tyr3009SerfsTer7 variant (rs80359741), also known as 9245del5, is reported in the literature in numerous individuals and families affected with breast and/or ovarian cancer and has been described as a founder variant in populations of Spanish descent (Caputo 2012, de Juan Jimenez 2013, Gabaldo Barrios 2017, Solano 2018). This variant is only observed on one allele in the Genome Aggregation Database (v2.1.1), indicating it is not a common polymorphism. This variant causes a frameshift by deleting five nucleotides, so it is predicted to result in a truncated protein or mRNA subject to nonsense-mediated decay. Based on available information, this variant is considered to be pathogenic. References: Caputo S et al. Description and analysis of genetic variants in French hereditary breast and ovarian cancer families recorded in the UMD-BRCA1/BRCA2 databases. Nucleic Acids Res. 2012 Jan;40(Database issue):D992-1002. PMID: 22144684. de Juan JimÃ©nez I et al. Novel and recurrent BRCA1/BRCA2 mutations in early onset and familial breast and ovarian cancer detected in the Program of Genetic Counseling in Cancer of Valencian Community (eastern Spain). Relationship of family phenotypes with mutation prevalence. Fam Cancer. 2013 Dec;12(4):767-77. PMID: 23479189. GabaldÃ³ Barrios X et al. Molecular characterization and clinical interpretation of BRCA1/BRCA2 variants in families from Murcia (south-eastern Spain) with hereditary breast and ovarian cancer: clinical-pathological features in BRCA carriers and non-carriers. Fam Cancer. 2017 Oct;16(4):477-489. PMID: 28477318. Solano AR et al. BRCA1 and BRCA2 Mutations Other Than the Founder Alleles Among Ashkenazi Jewish in the Population of Argentina. Front Oncol. 2018 Aug 21;8:323. PMID: 30186769.

NM_000059.4(BRCA2):c.9026_9030del (p.Tyr3009fs)

Gene: BRCA2 (BRCA2 DNA repair associated; plus strand). Cytogenetic location: 13q13.1.
Variant type: Deletion.
Coding change: c.9026_9030del on transcript NM_000059.4 (MANE Select); coding-DNA positions 9026 to 9030, 5 bases deleted (ATCAT; older notation c.9026_9030delATCAT).
Protein change: p.Tyr3009fs; shifts the reading frame from tyrosine 3009.
Molecular consequence: frameshift variant.
Genome position (GRCh38, 1-based): chr13:32,379,822-32,379,826, ATCAT deleted; deleting any 5 consecutive bases within chr13:32,379,821-32,379,826 gives the same sequence; the c. name uses the placement nearest the transcript's 3' end. VCF-style (leftmost placement, unchanged base first): chr13-32379820-TTATCA-T. GRCh37 (hg19) VCF-style: chr13-32953957-TTATCA-T.
Other names: 9254del5; c.9026_9030delATCAT (NM_000059.3).
Identifiers: ClinVar variation 38204 (VCV000038204.45), dbSNP rs80359741, ClinGen allele CA025933.